The following is an entry in ClinVar:

ClinVar aggregate classification (germline): Uncertain significance (1 of 4 stars; one submission).

Allele frequency attached by ClinVar (database versions not stated): gnomAD exomes 0.00009.

Submission:

Labcorp Genetics (formerly Invitae), Labcorp
Classification: Uncertain significance. Last evaluated: 2025-01-24. Review status: criteria provided, single submitter. Criteria: Invitae Variant Classification Sherloc (09022015). Collection method: clinical testing. Allele origin: germline.
Comment: This sequence change replaces proline, which is neutral and non-polar, with serine, which is neutral and polar, at codon 403 of the CDT1 protein (p.Pro403Ser). This variant is present in population databases (rs199674701, gnomAD 0.05%). This variant has not been reported in the literature in individuals affected with CDT1-related conditions. ClinVar contains an entry for this variant (Variation ID: 1460932). An algorithm developed to predict the effect of missense changes on protein structure and function (PolyPhen-2) suggests that this variant¬†is likely to be tolerated. In summary, the available evidence is currently insufficient to determine the role of this variant in disease. Therefore, it has been classified as a Variant of Uncertain Significance.

NM_030928.4(CDT1):c.1207C>T (p.Pro403Ser)

Gene: CDT1 (chromatin licensing and DNA replication factor 1; plus strand). Cytogenetic location: 16q24.3.
Variant type: single nucleotide variant.
Coding change: c.1207C>T on transcript NM_030928.4 (MANE Select); coding-DNA position 1207, C replaced by T.
Protein change: p.Pro403Ser; replaces proline 403 with serine.
Molecular consequence: missense variant.
Genome position (GRCh38, 1-based): chr16:88,807,135, C>T. VCF-style: chr16-88807135-C-T. GRCh37 (hg19) VCF-style: chr16-88873543-C-T.
Other names: short protein forms P403S.
Identifiers: ClinVar variation 1460932 (VCV001460932.4), dbSNP rs199674701, ClinGen allele CA8234053.